The following is an entry in ClinVar:

ClinVar aggregate classification (germline): Uncertain significance. Review status: criteria provided, multiple submitters, no conflicts (2 of 4 stars). 2 submissions from 2 submitters: Uncertain significance (2). Last evaluated 2024-10-15.

Conditions:
Developmental and epileptic encephalopathy, 34 (DEE34). Also called: Early infantile epileptic encephalopathy 34; SLC12A5-Related Epilepsy of Infancy with Migrating Focal Seizures. Identifiers: Orphanet 293181, MedGen C4225257, MONDO:0014718, OMIM 616645.

Allele frequency attached by ClinVar (database versions not stated): TOPMed 0.00001.
gnomAD v4.1: 42 of 1,610,738 alleles (0.0026%); highest among the groups gnomAD compares: Non-Finnish European, 0.0034%; no homozygotes.

Submissions (2):

Labcorp Genetics (formerly Invitae), Labcorp
Classification: Uncertain significance for Developmental and epileptic encephalopathy, 34. Last evaluated: 2024-10-15. Review status: criteria provided, single submitter. Criteria: Invitae Variant Classification Sherloc (09022015). Collection method: clinical testing. Allele origin: germline.
Comment: This sequence change replaces histidine, which is basic and polar, with glutamine, which is neutral and polar, at codon 975 of the SLC12A5 protein (p.His975Gln). This variant is present in population databases (rs778476586, gnomAD 0.004%). This variant has not been reported in the literature in individuals affected with SLC12A5-related conditions. ClinVar contains an entry for this variant (Variation ID: 946541). Invitae Evidence Modeling of protein sequence and biophysical properties (such as structural, functional, and spatial information, amino acid conservation, physicochemical variation, residue mobility, and thermodynamic stability) indicates that this missense variant is not expected to disrupt SLC12A5 protein function with a negative predictive value of 95%. In summary, the available evidence is currently insufficient to determine the role of this variant in disease. Therefore, it has been classified as a Variant of Uncertain Significance.

Breakthrough Genomics
Classification: Uncertain significance. Review status: criteria provided, single submitter. Criteria: ACMG Guidelines, 2015. Collection method: not provided. Allele origin: germline. Inheritance: Autosomal dominant inheritance. Affected: yes.

NM_020708.5(SLC12A5):c.2925C>A (p.His975Gln)

Gene: SLC12A5 (solute carrier family 12 member 5; plus strand). Cytogenetic location: 20q13.12.
Variant type: single nucleotide variant.
Coding change: c.2925C>A on transcript NM_020708.5 (MANE Select); coding-DNA position 2925, C replaced by A.
Protein change: p.His975Gln; replaces histidine 975 with glutamine.
Molecular consequence: missense variant.
Genome position (GRCh38, 1-based): chr20:46,056,379, C>A. VCF-style: chr20-46056379-C-A. GRCh37 (hg19) VCF-style: chr20-44685018-C-A.
Other names: c.2994C>A, p.His998Gln (NM_001134771.2); short protein forms H998Q, H975Q.
Identifiers: ClinVar variation 946541 (VCV000946541.10), dbSNP rs778476586, ClinGen allele CA9887752.
Genomic context (GRCh38, chr20:46,056,379, plus strand): 5'-TTGGCCTCCAAAGGACTCAACTGCCATCGCTTCATTCATCCCTCAGGTGCAGCTGATCCA[C>A]GATCAGAGTGCTCCCAGCTGCCCCAGCAGCTCCCCGTCCCCAGGGGAGGAGCCTGAGGGG-3'
Protein context (NP_065759.1, residues 965-985): EKPEEEVQLI[His975Gln]DQSAPSCPSS